The following is an entry in ClinVar:

NM_006852.6(TLK2):c.1483A>G (p.Ile495Val)

Gene: TLK2 (tousled like kinase 2; plus strand). Cytogenetic location: 17q23.2.
Variant type: single nucleotide variant.
Coding change: c.1483A>G on transcript NM_006852.6 (MANE Select); coding-DNA position 1483, A replaced by G.
Protein change: p.Ile495Val; replaces isoleucine 495 with valine.
Molecular consequence: missense variant.
Genome position (GRCh38, 1-based): chr17:62,596,607, A>G. VCF-style: chr17-62596607-A-G. GRCh37 (hg19) VCF-style: chr17-60673968-A-G.
Other names: c.1198A>G, p.Ile400Val (NM_001411074.1); c.1549A>G, p.Ile517Val (NM_001284333.3); c.1387A>G, p.Ile463Val (NM_001284363.1, NM_001375272.1); c.1036A>G, p.Ile346Val (NM_001330418.3, NM_001375273.1); c.1525A>G, p.Ile509Val (NM_001375269.1); c.1483A>G, p.Ile495Val (NM_001375270.1, NM_001375271.1); short protein forms I463V, I517V, I400V, I346V, I495V, I509V.
Identifiers: ClinVar variation 3969248 (VCV003969248.2).

ClinVar aggregate classification (germline): Uncertain significance (1 of 4 stars; one submission).

Conditions:
Inborn genetic diseases. Identifiers: MedGen C0950123, MeSH D030342.

Submission:

Ambry Genetics
Classification: Uncertain significance for Inborn genetic diseases. Last evaluated: 2025-07-29. Review status: criteria provided, single submitter. Criteria: Ambry Variant Classification Scheme 2023. Collection method: clinical testing. Allele origin: germline.
Comment: The c.1483A>G (p.I495V) alteration is located in exon 17 (coding exon 16) of the TLK2 gene. This alteration results from an A to G substitution at nucleotide position 1483, causing the isoleucine (I) at amino acid position 495 to be replaced by a valine (V). This variant was not reported in population-based cohorts in the Genome Aggregation Database (gnomAD). This amino acid position is highly conserved in available vertebrate species. This missense alteration is located in a region that has a low rate of benign missense variation (Lek, 2016; Firth, 2009). The in silico prediction for this alteration is inconclusive. Based on insufficient or conflicting evidence, the clinical significance of this alteration remains unclear.